The following is an entry in ClinVar:

ClinVar aggregate classification (germline): Benign/Likely benign. Review status: criteria provided, multiple submitters, no conflicts (2 of 4 stars). 7 submissions from 7 submitters: Benign (2); Likely benign (3). 2 of the submissions do not count toward it. Last evaluated 2026-07-01.

Conditions:
Inborn genetic diseases. Identifiers: MedGen C0950123, MeSH D030342.
Intellectual disability. Also called: Intellectual developmental disorder; Intellectual functioning disability; intellectual disabilities. Identifiers: MedGen C3714756, MeSH D008607, MONDO:0001071, HP:0001249.
ARID1B-Related Disorder. Identifiers: MedGen CN381337.

Submissions (7):

CeGaT Center for Human Genetics Tuebingen
Classification: Likely benign. Last evaluated: 2026-07-01. Review status: criteria provided, single submitter. Criteria: CeGaT Center For Human Genetics Tuebingen Variant Classification Criteria Version 2. Collection method: clinical testing. Allele origin: germline. Affected: yes. Observed: 2 variant alleles.
Comment: ARID1B: BS1

Labcorp Genetics (formerly Invitae), Labcorp
Classification: Likely benign. Last evaluated: 2025-10-07. Review status: criteria provided, single submitter. Criteria: Invitae Variant Classification Sherloc (09022015). Collection method: clinical testing. Allele origin: germline.

Ambry Genetics
Classification: Benign for Inborn genetic diseases. Last evaluated: 2021-12-02. Review status: criteria provided, single submitter. Criteria: Ambry Variant Classification Scheme 2023. Collection method: clinical testing. Allele origin: germline.

GeneDx
Classification: Benign. Last evaluated: 2020-07-28. Review status: criteria provided, single submitter. Criteria: GeneDx Variant Classification Process June 2021. Collection method: clinical testing. Allele origin: germline. Affected: yes.

Cambridge Genomics Laboratory, East Genomic Laboratory Hub, NHS Genomic Medicine Service
Classification: Likely benign for Intellectual disability. Last evaluated: 2020-07-27. Review status: criteria provided, single submitter. Criteria: ACGS Best Practice Guidelines for Variant Classification in Rare Disease 2020. Collection method: clinical testing. Allele origin: germline. Affected: yes. Observed: 1 variant allele.

PreventionGenetics, part of Exact Sciences
Classification: Likely benign for ARID1B-related condition. Last evaluated: 2022-02-28. Review status: no assertion criteria provided. Collection method: clinical testing. Allele origin: germline. Not counted in ClinVar's aggregate classification.
Comment: This variant is classified as likely benign based on ACMG/AMP sequence variant interpretation guidelines (Richards et al. 2015 PMID: 25741868, with internal and published modifications).

Centre de Biologie Pathologie Génétique, Centre Hospitalier Universitaire de Lille
Classification: Likely benign for Intellectual disability. Last evaluated: 2019-01-01. Review status: no assertion criteria provided. Collection method: clinical testing. Allele origin: inherited. Affected: yes. Not counted in ClinVar's aggregate classification.

NM_001374828.1(ARID1B):c.591GCA[4] (p.Gln212_Gln214del)

Genes: ARID1B (AT-rich interaction domain 1B; plus strand), LOC115308161 (uncharacterized LOC115308161; minus strand). Cytogenetic location: 6q25.3.
Variant type: Microsatellite.
Coding change: c.591GCA[4] on transcript NM_001374828.1 (MANE Select); four copies in a row of the 3-base unit GCA starting at c.591; the reference has seven copies in a row; three copies, 9 bases deleted.
Protein change: p.Gln212_Gln214del.
Molecular consequence: inframe deletion. On other transcripts: non-coding transcript variant (1).
Genome position (GRCh38, 1-based): chr6:156,778,283-156,778,291, GCAGCAGCA deleted; deleting any 9 consecutive bases within chr6:156,778,269-156,778,291 gives the same sequence; the position shown is the placement nearest the transcript's 3' end. VCF-style (leftmost placement, unchanged base first): chr6-156778268-CCAGCAGCAG-C. GRCh37 (hg19) VCF-style: chr6-157099402-CCAGCAGCAG-C.
Other names: c.354_362del (NM_020732.3); c.354_362delGCAGCAGCA (NM_020732.3); c.354_362del9 (NM_020732.3); c.591GCA[4], p.Gln212_Gln214del (NM_001371656.1, NM_001374820.1, NM_017519.3).
Identifiers: ClinVar variation 975342 (VCV000975342.13), dbSNP rs587779743, ClinGen allele CA4066644.